The following is an entry in ClinVar:

ClinVar aggregate classification (germline): Uncertain significance (0 of 4 stars; one submission).

Conditions:
TMEM67-related disorder. Also called: TMEM67-related condition; TMEM67-related disorders. Identifiers: MedGen CN239423.

gnomAD v4.1: 6 of 1,613,760 alleles (0.00037%); highest among the groups gnomAD compares: African/African-American, 0.0067%; no homozygotes.

Submission:

PreventionGenetics, part of Exact Sciences
Classification: Uncertain significance for TMEM67-related condition. Last evaluated: 2024-09-18. Review status: no assertion criteria provided. Collection method: clinical testing. Allele origin: germline.
Comment: The TMEM67 c.1404A>G variant is predicted to result in the amino acid substitution p.Ile468Met. To our knowledge, this variant has not been reported in the literature. This variant is reported in 1 out of ~251,000 alleles in gnomAD. At this time, the clinical significance of this variant is uncertain due to the absence of conclusive functional and genetic evidence.

NM_153704.6(TMEM67):c.1404A>G (p.Ile468Met)

Gene: TMEM67 (transmembrane protein 67; plus strand). Cytogenetic location: 8q22.1.
Variant type: single nucleotide variant.
Coding change: c.1404A>G on transcript NM_153704.6 (MANE Select); coding-DNA position 1404, A replaced by G.
Protein change: p.Ile468Met; replaces isoleucine 468 with methionine.
Molecular consequence: missense variant. On other transcripts: non-coding transcript variant (1).
Genome position (GRCh38, 1-based): chr8:93,786,338, A>G. VCF-style: chr8-93786338-A-G. GRCh37 (hg19) VCF-style: chr8-94798566-A-G.
Other names: c.1161A>G, p.Ile387Met (NM_001142301.1); short protein forms I387M, I468M.
Identifiers: ClinVar variation 3352270 (VCV003352270.1).